The following is an entry in ClinVar:

ClinVar aggregate classification (germline): Pathogenic (1 of 4 stars; one submission).

gnomAD v4.1: 1 of 1,614,122 alleles (0.000062%); highest among the groups gnomAD compares: African/African-American, 0.0013%; no homozygotes.

Submission:

Labcorp Genetics (formerly Invitae), Labcorp
Classification: Pathogenic. Last evaluated: 2025-04-28. Review status: criteria provided, single submitter. Criteria: Invitae Variant Classification Sherloc (09022015). Collection method: clinical testing. Allele origin: germline.
Comment: This sequence change creates a premature translational stop signal (p.Gln51*) in the FECH gene. It is expected to result in an absent or disrupted protein product. Loss-of-function variants in FECH are known to be pathogenic (PMID: 20105171, 23016163, 23364466). This variant is present in population databases (rs11537878, gnomAD 0.007%). This premature translational stop signal has been observed in individual(s) with erythropoietic protoporphyria (PMID: 23364466). For these reasons, this variant has been classified as Pathogenic.

Literature cited by the submitters: PubMed 20105171; PubMed 23016163; PubMed 23364466.

NM_000140.5(FECH):c.151C>T (p.Gln51Ter)

Gene: FECH (ferrochelatase; minus strand). Cytogenetic location: 18q21.31.
Variant type: single nucleotide variant.
Coding change: c.151C>T on transcript NM_000140.5 (MANE Select); coding-DNA position 151, C replaced by T.
Protein change: p.Gln51Ter; replaces glutamine 51 with a stop codon.
Molecular consequence: nonsense. On other transcripts: 5 prime UTR variant (1).
Genome position (GRCh38, 1-based): chr18:57,580,116, G>A on the plus strand (C>T on the coding strand, the complement: FECH is on the minus strand). VCF-style: chr18-57580116-G-A. GRCh37 (hg19) VCF-style: chr18-55247348-G-A.
Other names: c.151C>T, p.Gln51Ter (NM_001012515.4, NM_001371094.1, NM_001374778.1); c.-66C>T (NM_001371095.1); short protein forms Q51*.
Identifiers: ClinVar variation 4710462 (VCV004710462.1).